The following is an entry in ClinVar:

NM_001041.4(SI):c.5005G>T (p.Gly1669Ter)

Gene: SI (sucrase-isomaltase; minus strand). Cytogenetic location: 3q26.1.
Variant type: single nucleotide variant.
Coding change: c.5005G>T on transcript NM_001041.4 (MANE Select); coding-DNA position 5005, G replaced by T.
Protein change: p.Gly1669Ter; replaces glycine 1669 with a stop codon.
Molecular consequence: nonsense.
Genome position (GRCh38, 1-based): chr3:164,991,456, C>A on the plus strand (G>T on the coding strand, the complement: SI is on the minus strand). VCF-style: chr3-164991456-C-A. GRCh37 (hg19) VCF-style: chr3-164709244-C-A.
Other names: short protein forms G1669*.
Identifiers: ClinVar variation 2060918 (VCV002060918.4), dbSNP rs1717730695, ClinGen allele CA355028348.

ClinVar aggregate classification (germline): Pathogenic (1 of 4 stars; one submission).

Submission:

Labcorp Genetics (formerly Invitae), Labcorp
Classification: Pathogenic. Last evaluated: 2023-04-24. Review status: criteria provided, single submitter. Criteria: Invitae Variant Classification Sherloc (09022015). Collection method: clinical testing. Allele origin: germline.
Comment: For these reasons, this variant has been classified as Pathogenic. ClinVar contains an entry for this variant (Variation ID: 2060918). This variant has not been reported in the literature in individuals affected with SI-related conditions. This variant is not present in population databases (gnomAD no frequency). This sequence change creates a premature translational stop signal (p.Gly1669*) in the SI gene. It is expected to result in an absent or disrupted protein product. Loss-of-function variants in SI are known to be pathogenic (PMID: 16329100, 23103650, 25452324).

Literature cited by the submitters: PubMed 16329100; PubMed 23103650; PubMed 25452324.